The following is an entry in ClinVar:

ClinVar aggregate classification (germline): Uncertain significance. Review status: criteria provided, single submitter (1 of 4 stars). 2 submissions from 2 submitters: Uncertain significance (1). 1 of the submissions does not count toward it. Last evaluated 2024-04-02.

Conditions:
EP300-related disorder. Also called: EP300-related disorders; EP300-related condition.

gnomAD v4.1: 2 of 1,614,132 alleles (0.00012%); highest among the groups gnomAD compares: African/African-American, 0.0013%; no homozygotes.

Submissions (2):

GeneDx
Classification: Uncertain significance. Last evaluated: 2024-04-02. Review status: criteria provided, single submitter. Criteria: GeneDx Variant Classification Process June 2021. Collection method: clinical testing. Allele origin: germline. Affected: yes.
Comment: Not observed at significant frequency in large population cohorts (gnomAD); In silico analysis supports that this missense variant does not alter protein structure/function; Has not been previously published as pathogenic or benign to our knowledge

PreventionGenetics, part of Exact Sciences
Classification: Uncertain significance for EP300-related condition. Last evaluated: 2024-01-04. Review status: no assertion criteria provided. Collection method: clinical testing. Allele origin: germline. Not counted in ClinVar's aggregate classification.
Comment: The EP300 c.7193A>T variant is predicted to result in the amino acid substitution p.Asp2398Val. To our knowledge, this variant has not been reported in the literature or in a large population database, indicating this variant is rare. At this time, the clinical significance of this variant is uncertain due to the absence of conclusive functional and genetic evidence.

NM_001429.4(EP300):c.7193A>T (p.Asp2398Val)

Gene: EP300 (E1A binding protein p300; plus strand). Cytogenetic location: 22q13.2.
Variant type: single nucleotide variant.
Coding change: c.7193A>T on transcript NM_001429.4 (MANE Select); coding-DNA position 7193, A replaced by T.
Protein change: p.Asp2398Val; replaces aspartic acid 2398 with valine.
Molecular consequence: missense variant.
Genome position (GRCh38, 1-based): chr22:41,178,904, A>T. VCF-style: chr22-41178904-A-T. GRCh37 (hg19) VCF-style: chr22-41574908-A-T.
Other names: c.7115A>T, p.Asp2372Val (NM_001362843.2); short protein forms D2372V, D2398V.
Identifiers: ClinVar variation 3354948 (VCV003354948.2).